The following is an entry in ClinVar:

NM_002972.4(SBF1):c.2681A>C (p.Glu894Ala)

Gene: SBF1 (SET binding factor 1; minus strand). Cytogenetic location: 22q13.33.
Variant type: single nucleotide variant.
Coding change: c.2681A>C on transcript NM_002972.4 (MANE Select); coding-DNA position 2681, A replaced by C.
Protein change: p.Glu894Ala; replaces glutamic acid 894 with alanine.
Molecular consequence: missense variant.
Genome position (GRCh38, 1-based): chr22:50,461,681, T>G on the plus strand (A>C on the coding strand, the complement: SBF1 is on the minus strand). VCF-style: chr22-50461681-T-G. GRCh37 (hg19) VCF-style: chr22-50900110-T-G.
Other names: c.2684A>C, p.Glu895Ala (NM_001365819.1, NM_001410794.1); c.2681A>C, p.Glu894Ala (NM_001410795.1); short protein forms E894A, E895A.
Identifiers: ClinVar variation 4744415 (VCV004744415.1).

ClinVar aggregate classification (germline): Uncertain significance (1 of 4 stars; one submission).

Submission:

Labcorp Genetics (formerly Invitae), Labcorp
Classification: Uncertain significance. Last evaluated: 2025-08-07. Review status: criteria provided, single submitter. Criteria: Invitae Variant Classification Sherloc (09022015). Collection method: clinical testing. Allele origin: germline.
Comment: This sequence change replaces glutamic acid, which is acidic and polar, with alanine, which is neutral and non-polar, at codon 894 of the SBF1 protein (p.Glu894Ala). This variant is not present in population databases (gnomAD no frequency). This variant has not been reported in the literature in individuals affected with SBF1-related conditions. Invitae Evidence Modeling of protein sequence and biophysical properties (such as structural, functional, and spatial information, amino acid conservation, physicochemical variation, residue mobility, and thermodynamic stability) indicates that this missense variant is expected to disrupt SBF1 protein function with a positive predictive value of 80%. In summary, the available evidence is currently insufficient to determine the role of this variant in disease. Therefore, it has been classified as a Variant of Uncertain Significance.